The following is an entry in ClinVar:

ClinVar aggregate classification (germline): Pathogenic/Likely pathogenic. Review status: criteria provided, multiple submitters, no conflicts (2 of 4 stars). 2 submissions from 2 submitters: Pathogenic (1); Likely pathogenic (1). Last evaluated 2025-11-05.

Conditions:
CHAMP1-related syndrome.
Neurodevelopmental disorder with hypotonia, impaired language, and dysmorphic features. Also called: Intellectual disability, autosomal dominant 40. Identifiers: Orphanet 692193, MedGen C5676894, MONDO:0014699, OMIM 616579.

Submissions (2):

3billion
Classification: Likely pathogenic for Neurodevelopmental disorder with hypotonia, impaired language, and dysmorphic features. Last evaluated: 2025-11-05. Review status: criteria provided, single submitter. Criteria: ACMG Guidelines, 2015. Collection method: clinical testing. Allele origin: germline. Affected: yes.
Comment: The variant is not observed in the gnomAD v4.1.0 dataset. Predicted Consequence/Location: Frameshift: predicted to result in a loss or disruption of normal protein function through protein truncation. The predicted truncated protein may be shortened by more than 10%. The variant has been reported to be associated with CHAMP1-related disorder (ClinVar ID: VCV000217909 /PMID: 27148580). Therefore, this variant is classified as Likely pathogenic according to the recommendation of ACMG/AMP guideline.

GeneDx
Classification: Pathogenic. Last evaluated: 2018-03-14. Review status: criteria provided, single submitter. Criteria: GeneDx Variant Classification (06012015). Collection method: clinical testing. Allele origin: germline. Affected: yes.
Comment: The c.542_543delCT variant in the CHAMP1 gene has been reported previously as a de novo variant in an individual with global developmental delay, intellectual disability, dysmorphic features, and spasticity (Tanaka et al., 2016). The c.542_543delCT variant causes a frameshift starting with codon Serine 181, changes this amino acid to a Cysteine residue, and creates a premature Stop codon at position 5 of the new reading frame, denoted p.Ser181CysfsX5. This variant is predicted to cause loss of normal protein function through protein truncation, as the last 632 amino acids are replaced with 4 incorrect amino acids. Furthermore, the c.542_543delCT variant is not observed in large population cohorts (Lek et al., 2016). We interpret c.542_543delCT as a pathogenic variant.

Literature cited by the submitters: PubMed 27148580 (cited by 3billion).

NM_032436.4(CHAMP1):c.542_543del (p.Ser181fs)

Gene: CHAMP1 (chromosome alignment maintaining phosphoprotein 1; plus strand). Cytogenetic location: 13q34.
Variant type: Microsatellite.
Coding change: c.542_543del on transcript NM_032436.4 (MANE Select); coding-DNA positions 542 to 543, 2 bases deleted (CT; older notation c.542_543delCT).
Protein change: p.Ser181fs; shifts the reading frame from serine 181.
Molecular consequence: frameshift variant.
Genome position (GRCh38, 1-based): chr13:114,324,384-114,324,385, CT deleted; deleting any 2 consecutive bases within chr13:114,324,382-114,324,385 gives the same sequence; the c. name uses the placement nearest the transcript's 3' end. VCF-style (leftmost placement, unchanged base first): chr13-114324381-CCT-C. GRCh37 (hg19) VCF-style: chr13-115089856-CCT-C.
Other names: c.542_543del, p.Ser181fs (NM_001164144.3, NM_001164145.3); short protein forms S181fs.
Identifiers: ClinVar variation 217909 (VCV000217909.6), dbSNP rs863225077, ClinGen allele CA325482.